The following is an entry in ClinVar:

ClinVar aggregate classification (germline): Uncertain significance. Review status: criteria provided, multiple submitters, no conflicts (2 of 4 stars). 2 submissions from 2 submitters: Uncertain significance (2). Last evaluated 2025-11-03.

Conditions:
Hereditary cancer-predisposing syndrome. Also called: Tumor predisposition; Neoplastic Syndromes, Hereditary; Hereditary Cancer Syndrome; Hereditary neoplastic syndrome. Identifiers: Orphanet 140162, MedGen C0027672, MeSH D009386, MONDO:0015356.
Birt-Hogg-Dube syndrome. Also called: Birt Hogg Dubé syndrome. Identifiers: Orphanet 122, MedGen C0346010, MONDO:0800444.

Allele frequency attached by ClinVar (database versions not stated): TOPMed below 0.00001; gnomAD 0.00001.

Submissions (2):

Ambry Genetics
Classification: Uncertain significance for Hereditary cancer-predisposing syndrome. Last evaluated: 2025-11-03. Review status: criteria provided, single submitter. Criteria: Ambry Variant Classification Scheme 2023. Collection method: clinical testing. Allele origin: germline.
Comment: The p.V133F variant (also known as c.397G>T) is located in coding exon 3 of the FLCN gene. The valine at codon 133 is replaced by phenylalanine, an amino acid with highly similar properties. This change occurs in the first base pair of coding exon 3. This amino acid position is highly conserved in available vertebrate species. In silico splice site analysis predicts that this alteration may weaken the native splice acceptor site; however, direct evidence is insufficient at this time (Ambry internal data). In addition, this alteration is predicted to be deleterious by in silico analysis. Based on the available evidence, the clinical significance of this variant remains unclear.

Labcorp Genetics (formerly Invitae), Labcorp
Classification: Uncertain significance for Birt-Hogg-Dube syndrome. Last evaluated: 2025-08-24. Review status: criteria provided, single submitter. Criteria: Invitae Variant Classification Sherloc (09022015). Collection method: clinical testing. Allele origin: germline.
Comment: This sequence change replaces valine, which is neutral and non-polar, with phenylalanine, which is neutral and non-polar, at codon 133 of the FLCN protein (p.Val133Phe). This variant is not present in population databases (gnomAD no frequency). This variant has not been reported in the literature in individuals affected with FLCN-related conditions. ClinVar contains an entry for this variant (Variation ID: 1058052). An algorithm developed to predict the effect of missense changes on protein structure and function (PolyPhen-2) suggests that this variant is likely to be tolerated. Algorithms developed to predict the effect of sequence changes on RNA splicing suggest that this variant may disrupt the consensus splice site. In summary, the available evidence is currently insufficient to determine the role of this variant in disease. Therefore, it has been classified as a Variant of Uncertain Significance.

NM_144997.7(FLCN):c.397G>T (p.Val133Phe)

Gene: FLCN (folliculin; minus strand). Cytogenetic location: 17p11.2.
Variant type: single nucleotide variant.
Coding change: c.397G>T on transcript NM_144997.7 (MANE Select); coding-DNA position 397, G replaced by T.
Protein change: p.Val133Phe; replaces valine 133 with phenylalanine.
Molecular consequence: missense variant.
Genome position (GRCh38, 1-based): chr17:17,224,143, C>A on the plus strand (G>T on the coding strand, the complement: FLCN is on the minus strand). VCF-style: chr17-17224143-C-A. GRCh37 (hg19) VCF-style: chr17-17127457-C-A.
Other names: c.451G>T, p.Val151Phe (NM_001353229.2); c.397G>T, p.Val133Phe (NM_001353230.2, NM_001353231.2, NM_144606.7); short protein forms V133F, V151F.
Identifiers: ClinVar variation 1058052 (VCV001058052.8), dbSNP rs1225760077, ClinGen allele CA398534655.
Genomic context (GRCh38, chr17:17,224,143, plus strand): 5'-TGAACACAAAGCCGTGCTGCTCATCTCCGAAGAAGATGGGGCCTTCACGGCCAGGGCAGA[C>A]CTGGAGGGACACCGGCGACTCAGACAGCCCTTTCCTCGCTTAGTGACACCAAATCAAAGC-3'
Protein context (NP_659434.2, residues 123-143): QACVRSLSCE[Val133Phe]CPGREGPIFF